The following is an entry in ClinVar:

NM_001040716.2(PC):c.1067_1070delinsTCCACGTGGCTGAGGGCAGGCAG (p.Ser356fs)

Gene: PC (pyruvate carboxylase; minus strand). Cytogenetic location: 11q13.2.
Variant type: Indel.
Coding change: c.1067_1070delinsTCCACGTGGCTGAGGGCAGGCAG on transcript NM_001040716.2 (MANE Select); coding-DNA positions 1067 to 1070, GCCT replaced by TCCACGTGGCTGAGGGCAGGCAG.
Protein change: p.Ser356fs; shifts the reading frame from serine 356.
Molecular consequence: frameshift variant.
Genome position (GRCh38, 1-based): chr11:66,866,302-66,866,305, AGGC replaced by CTGCCTGCCCTCAGCCACGTGGA on the plus strand (GCCT replaced by TCCACGTGGCTGAGGGCAGGCAG on the coding strand, the reverse complement: PC is on the minus strand). VCF-style: chr11-66866302-AGGC-CTGCCTGCCCTCAGCCACGTGGA. GRCh37 (hg19) VCF-style: chr11-66633773-AGGC-CTGCCTGCCCTCAGCCACGTGGA.
Other names: c.1067_1070delinsTCCACGTGGCTGAGGGCAGGCAG, p.Ser356fs (NM_000920.4, NM_022172.3); short protein forms S356fs.
Identifiers: ClinVar variation 1458437 (VCV001458437.6), dbSNP rs2135917229, ClinGen allele CA2573147590.
Genomic context (GRCh38, chr11:66,866,302, plus strand): 5'-CGGCACTGGATGGCACACCCGTTGATGCGGATGTTCTCCTGCCGCAGGCCCAGGTCGGGT[AGGC>CTGCCTGCCCTCAGCCACGTGGA]TCCTGCCCTCAGCCACGTGGATCTGAGCATGGACCAGGTCTACGCTGTAGGGCATTGGGG-3'

ClinVar aggregate classification (germline): Pathogenic (1 of 4 stars; one submission).

Conditions:
Pyruvate carboxylase deficiency. Also called: ATAXIA WITH LACTIC ACIDOSIS II; LEIGH NECROTIZING ENCEPHALOPATHY DUE TO PYRUVATE CARBOXYLASE DEFICIENCY; PC DEFICIENCY; LEIGH SYNDROME DUE TO PYRUVATE CARBOXYLASE DEFICIENCY; Pyruvate Carboxylase Deficiency Disease. Identifiers: Orphanet 3008, MedGen C0034341, MONDO:0009949, OMIM 266150.

Submission:

Labcorp Genetics (formerly Invitae), Labcorp
Classification: Pathogenic for Pyruvate carboxylase deficiency. Last evaluated: 2021-09-12. Review status: criteria provided, single submitter. Criteria: Invitae Variant Classification Sherloc (09022015). Collection method: clinical testing. Allele origin: germline.
Comment: This sequence change creates a premature translational stop signal (p.Ser356Ilefs*46) in the PC gene. It is expected to result in an absent or disrupted protein product. Loss-of-function variants in PC are known to be pathogenic (PMID: 12112657, 19306334). This variant is not present in population databases (ExAC no frequency). This variant has not been reported in the literature in individuals affected with PC-related conditions. For these reasons, this variant has been classified as Pathogenic.

Literature cited by the submitters: PubMed 12112657; PubMed 19306334.